The following is an entry in ClinVar:

ClinVar aggregate classification (germline): Likely pathogenic. Review status: criteria provided, multiple submitters, no conflicts (2 of 4 stars). 2 submissions from 2 submitters: Likely pathogenic (2). Last evaluated 2024-01-02.

Conditions:
COL4A4-related disorder.

Allele frequency attached by ClinVar (database versions not stated): gnomAD exomes below 0.00001.
gnomAD v4.1: 1 of 1,613,652 alleles (0.000062%); highest among the groups gnomAD compares: Non-Finnish European, 0.000085%; no homozygotes.

Submissions (2):

Blueprint Genetics
Classification: Likely pathogenic for COL4A4-related disorders. Last evaluated: 2024-01-02. Review status: criteria provided, single submitter. Criteria: ACMG Guidelines, 2015. Collection method: clinical testing. Allele origin: germline. Affected: yes. Observed: 3 variant alleles.

Labcorp Genetics (formerly Invitae), Labcorp
Classification: Likely pathogenic. Last evaluated: 2023-09-04. Review status: criteria provided, single submitter. Criteria: Invitae Variant Classification Sherloc (09022015). Collection method: clinical testing. Allele origin: germline.
Comment: In summary, the currently available evidence indicates that the variant is pathogenic, but additional data are needed to prove that conclusively. Therefore, this variant has been classified as Likely Pathogenic. This variant disrupts the p.Gly1091 amino acid residue in COL4A4. Other variant(s) that disrupt this residue have been determined to be pathogenic (Invitae). This suggests that this residue is clinically significant, and that variants that disrupt this residue are likely to be disease-causing. Advanced modeling of protein sequence and biophysical properties (such as structural, functional, and spatial information, amino acid conservation, physicochemical variation, residue mobility, and thermodynamic stability) performed at Invitae indicates that this missense variant is expected to disrupt COL4A4 protein function. This variant has not been reported in the literature in individuals affected with COL4A4-related conditions. This variant is not present in population databases (gnomAD no frequency). This sequence change replaces glycine, which is neutral and non-polar, with aspartic acid, which is acidic and polar, at codon 1091 of the COL4A4 protein (p.Gly1091Asp).

NM_000092.5(COL4A4):c.3272G>A (p.Gly1091Asp)

Gene: COL4A4 (collagen type IV alpha 4 chain; minus strand). Cytogenetic location: 2q36.3.
Variant type: single nucleotide variant.
Coding change: c.3272G>A on transcript NM_000092.5 (MANE Select); coding-DNA position 3272, G replaced by A.
Protein change: p.Gly1091Asp; replaces glycine 1091 with aspartic acid.
Molecular consequence: missense variant.
Genome position (GRCh38, 1-based): chr2:227,047,492, C>T on the plus strand (G>A on the coding strand, the complement: COL4A4 is on the minus strand). VCF-style: chr2-227047492-C-T. GRCh37 (hg19) VCF-style: chr2-227912208-C-T.
Other names: short protein forms G1091D.
Identifiers: ClinVar variation 2801841 (VCV002801841.4), dbSNP rs2473864066, ClinGen allele CA350838650.